The following is an entry in ClinVar:

ClinVar aggregate classification (germline): Likely benign. Review status: criteria provided, multiple submitters, no conflicts (2 of 4 stars). 4 submissions from 4 submitters: Likely benign (2). 2 of the submissions do not count toward it. Last evaluated 2026-02-04.

Conditions:
Pyknodysostosis. Also called: Pycnodysostosis. Identifiers: Orphanet 763, MedGen C0238402, MONDO:0009940, OMIM 265800.

Allele frequency attached by ClinVar (database versions not stated): gnomAD 0.00001 and 0.00005; TOPMed 0.00001; 1000 Genomes Project 30x 0.00016; gnomAD exomes 0.00018 and 0.00034; 1000 Genomes Project 0.00020; ExAC 0.00039.
gnomAD v4.1: 269 of 1,613,860 alleles (0.017%); highest among the groups gnomAD compares: South Asian, 0.24%; 2 homozygotes.

Submissions (4):

Labcorp Genetics (formerly Invitae), Labcorp
Classification: Likely benign. Last evaluated: 2026-02-04. Review status: criteria provided, single submitter. Criteria: Invitae Variant Classification Sherloc (09022015). Collection method: clinical testing. Allele origin: germline.

Breakthrough Genomics
Classification: Likely benign. Review status: criteria provided, single submitter. Criteria: ACMG Guidelines, 2015. Collection method: not provided. Allele origin: germline. Inheritance: Autosomal recessive inheritance. Affected: yes.

Natera, Inc.
Classification: Likely benign for Pyknodysostosis. Last evaluated: 2021-05-04. Review status: no assertion criteria provided. Collection method: clinical testing. Allele origin: germline. Not counted in ClinVar's aggregate classification.

Department of Pathology and Laboratory Medicine, Sinai Health System
Classification: Uncertain significance. Review status: no assertion criteria provided. Collection method: clinical testing. Allele origin: unknown. Affected: yes. Study: The Canadian Open Genetics Repository (COGR). Not counted in ClinVar's aggregate classification.
Comment: The CTSK p.Gly3Glu variant was not identified in the literature nor was it identified in ClinVar or LOVD 3.0. The variant was identified in dbSNP (ID: rs202055627) and in control databases in 85 of 251234 chromosomes at a frequency of 0.0003383 (Genome Aggregation Database March 6, 2019, v2.1.1). The variant was observed in the following populations: South Asian in 76 of 30616 chromosomes (freq: 0.002482) and European (non-Finnish) in 9 of 113694 chromosomes (freq: 0.000079), but was not observed in the African, Latino, Ashkenazi Jewish, East Asian, European (Finnish), or Other populations. The p.Gly3 residue is not conserved in mammals and four out of five computational analyses (PolyPhen-2, SIFT, AlignGVGD, BLOSUM, MutationTaster) do not suggest a high likelihood of impact to the protein; however, this information is not predictive enough to rule out pathogenicity. The variant occurs outside of the splicing consensus sequence and in silico or computational prediction software programs (SpliceSiteFinder, MaxEntScan, NNSPLICE, GeneSplicer) do not predict a difference in splicing. In summary, based on the above information the clinical significance of this variant cannot be determined with certainty at this time. This variant is classified as a variant of uncertain significance.

NM_000396.4(CTSK):c.8G>A (p.Gly3Glu)

Gene: CTSK (cathepsin K; minus strand). Cytogenetic location: 1q21.3.
Variant type: single nucleotide variant.
Coding change: c.8G>A on transcript NM_000396.4 (MANE Select); coding-DNA position 8, G replaced by A.
Protein change: p.Gly3Glu; replaces glycine 3 with glutamic acid.
Molecular consequence: missense variant.
Genome position (GRCh38, 1-based): chr1:150,806,798, C>T on the plus strand (G>A on the coding strand, the complement: CTSK is on the minus strand). VCF-style: chr1-150806798-C-T. GRCh37 (hg19) VCF-style: chr1-150779274-C-T.
Other names: short protein forms G3E.
Identifiers: ClinVar variation 1050778 (VCV001050778.12), dbSNP rs202055627, ClinGen allele CA1080600.